The following is an entry in ClinVar:

ClinVar aggregate classification (germline): Conflicting classifications of pathogenicity. Review status: criteria provided, conflicting classifications (1 of 4 stars). 11 submissions from 11 submitters: Uncertain significance (3); Benign (2); Likely benign (6). Last evaluated 2026-03-09.

Conditions:
TSC1-related disorder. Also called: TSC1-related condition.
Hereditary cancer-predisposing syndrome. Also called: Hereditary Cancer Syndrome; Neoplastic Syndromes, Hereditary; Tumor predisposition; Hereditary neoplastic syndrome. Identifiers: Orphanet 140162, MedGen C0027672, MeSH D009386, MONDO:0015356.
Lymphangiomyomatosis (LAM). Also called: Lymphangioleiomyomatosis; Lymphangioleiomyomatosis, somatic. Identifiers: Orphanet 538, MedGen C0751674, MONDO:0011705, OMIM 606690.
Isolated focal cortical dysplasia type II (FCORD2). Also called: Focal cortical dysplasia type II; CORTICAL DYSPLASIA OF TAYLOR. Identifiers: Orphanet 268994, MedGen C1846385, MONDO:0011818, OMIM 607341, HP:0032051.
Tuberous sclerosis 1 (TSC1). Identifiers: Orphanet 805, MedGen C1854465, MONDO:0008612, OMIM 191100.
Tuberous sclerosis syndrome (TSC). Also called: Tuberous sclerosis; Tuberous Sclerosis Complex. Identifiers: Orphanet 805, MedGen C0041341, MONDO:0001734.

Allele frequency attached by ClinVar (database versions not stated): ExAC 0.00002; gnomAD 0.00003; TOPMed 0.00006; gnomAD exomes 0.00009.
gnomAD v4.1: 135 of 1,613,012 alleles (0.0084%); highest among the groups gnomAD compares: Non-Finnish European, 0.011%; no homozygotes.

Submissions (11):

Ambry Genetics
Classification: Benign for Hereditary cancer-predisposing syndrome. Last evaluated: 2026-03-09. Review status: criteria provided, single submitter. Criteria: Ambry Variant Classification Scheme 2023. Collection method: clinical testing. Allele origin: germline.

Labcorp Genetics (formerly Invitae), Labcorp
Classification: Benign for Tuberous sclerosis 1. Last evaluated: 2026-01-31. Review status: criteria provided, single submitter. Criteria: Invitae Variant Classification Sherloc (09022015). Collection method: clinical testing. Allele origin: germline.

PreventionGenetics, part of Exact Sciences
Classification: Likely benign for TSC1-related condition. Last evaluated: 2025-12-30. Review status: criteria provided, single submitter. Criteria: ACMG Guidelines, 2015. Collection method: clinical testing. Allele origin: germline.
Comment: This variant is classified as likely benign based on ACMG/AMP sequence variant interpretation guidelines (Richards et al. 2015 PMID: 25741868, with internal and published modifications).

Myriad Genetics, Inc.
Classification: Likely benign for Tuberous sclerosis 1. Last evaluated: 2025-04-10. Review status: criteria provided, single submitter. Criteria: Myriad Autosomal Dominant, Autosomal Recessive and X-Linked Classification Criteria (2023). Collection method: clinical testing. Allele origin: unknown.
Comment: This variant is considered likely benign. This variant has been observed at a population frequency that is significantly greater than expected given the associated disease prevalence and penetrance.

Molecular Pathology, Peter Maccallum Cancer Centre
Classification: Uncertain significance for Tuberous sclerosis 1. Last evaluated: 2024-10-25. Review status: criteria provided, single submitter. Criteria: ACMG Guidelines, 2015. Collection method: clinical testing. Allele origin: germline. Inheritance: Autosomal dominant inheritance.

Fulgent Genetics
Classification: Uncertain significance for Tuberous sclerosis 1; Lymphangiomyomatosis; Isolated focal cortical dysplasia type II. Last evaluated: 2024-05-30. Review status: criteria provided, single submitter. Criteria: ACMG Guidelines, 2015. Collection method: clinical testing. Allele origin: germline.

Blueprint Genetics
Classification: Likely benign. Last evaluated: 2024-02-01. Review status: criteria provided, single submitter. Criteria: ACMG Guidelines, 2015. Collection method: clinical testing. Allele origin: germline.

Color Diagnostics, LLC DBA Color Health
Classification: Likely benign for Tuberous sclerosis syndrome. Last evaluated: 2022-09-30. Review status: criteria provided, single submitter. Criteria: ACMG Guidelines, 2015. Collection method: clinical testing. Allele origin: germline.

GeneDx
Classification: Likely benign. Last evaluated: 2022-01-07. Review status: criteria provided, single submitter. Criteria: GeneDx Variant Classification Process June 2021. Collection method: clinical testing. Allele origin: germline. Affected: yes.
Comment: This variant is associated with the following publications: (PMID: 28873162)

Genome-Nilou Lab
Classification: Likely benign for Tuberous sclerosis 1. Last evaluated: 2021-11-07. Review status: criteria provided, single submitter. Criteria: ACMG Guidelines, 2015. Collection method: clinical testing. Allele origin: germline. Affected: no.

Sema4
Classification: Uncertain significance for Hereditary cancer-predisposing syndrome. Last evaluated: 2021-04-23. Review status: criteria provided, single submitter. Criteria: Sema4 Curation Guidelines. Collection method: curation. Allele origin: germline.
Comment: The TSC1 c.1721C>G (p.T574S) variant has not been reported in the literature to our knowledge. It was observed in 9/128920 chromosomes of the Non-Finnish European subpopulation in the large and broad cohorts of the Genome Aggregation Database. The variant has been reported in ClinVar (Variation ID 207609). In silico tools suggest the impact of the variant on protein function is inconclusive, though these predictions have not been confirmed by functional studies. The evidence is insufficient to meet ACMG/AMP criteria for classifying the variant as benign or pathogenic. Thus, the clinical significance of this variant is currently uncertain.

NM_000368.5(TSC1):c.1721C>G (p.Thr574Ser)

Gene: TSC1 (TSC complex subunit 1; minus strand). Cytogenetic location: 9q34.13.
Variant type: single nucleotide variant.
Coding change: c.1721C>G on transcript NM_000368.5 (MANE Select); coding-DNA position 1721, C replaced by G.
Protein change: p.Thr574Ser; replaces threonine 574 with serine.
Molecular consequence: missense variant.
Genome position (GRCh38, 1-based): chr9:132,905,857, G>C on the plus strand (C>G on the coding strand, the complement: TSC1 is on the minus strand). VCF-style: chr9-132905857-G-C. GRCh37 (hg19) VCF-style: chr9-135781244-G-C.
Other names: p.T574S:ACT>AGT; c.1718C>G, p.Thr573Ser (NM_001162426.2); c.1568C>G, p.Thr523Ser (NM_001162427.2); c.1358C>G, p.Thr453Ser (NM_001362177.2); short protein forms T574S, T573S, T453S, T523S.
Identifiers: ClinVar variation 207609 (VCV000207609.30), dbSNP rs548002938, ClinGen allele CA029589.